The following is an entry in ClinVar:

NM_001032283.3(TMPO):c.565+1531C>T

Gene: TMPO (thymopoietin; plus strand). Cytogenetic location: 12q23.1.
Variant type: single nucleotide variant.
Coding change: c.565+1531C>T on transcript NM_001032283.3 (MANE Select); 1531 bases into the intron after coding-DNA position 565, C replaced by T.
Molecular consequence: intron variant. On other transcripts: missense variant (1).
Genome position (GRCh38, 1-based): chr12:98,533,369, C>T. VCF-style: chr12-98533369-C-T. GRCh37 (hg19) VCF-style: chr12-98927147-C-T.
Other names: c.1112C>T, p.Pro371Leu (NM_003276.2); c.565+1531C>T (NM_001307975.2, NM_001032284.3); short protein forms P371L.
Identifiers: ClinVar variation 191791 (VCV000191791.50), dbSNP rs199943517, ClinGen allele CA237559.

ClinVar aggregate classification (germline): Uncertain significance. Review status: criteria provided, multiple submitters, no conflicts (2 of 4 stars). 3 submissions from 3 submitters: Uncertain significance (3). Last evaluated 2025-09-27.

Conditions:
Loeys-Dietz syndrome 2 (LDS2). Also called: AORTIC ANEURYSM, FAMILIAL THORACIC 3; MARFAN SYNDROME, TYPE II; Marfan Syndrome type 2; Marfan like connective tissue disorder; MFS 2; Marfan syndrome, type 2 (formerly). Identifiers: Orphanet 284973, Orphanet 558, MedGen C2674574, MONDO:0012427, OMIM 610168.

Allele frequency attached by ClinVar (database versions not stated): TOPMed 0.00006; gnomAD 0.00009; gnomAD exomes 0.00010.
gnomAD v4.1: 155 of 1,614,058 alleles (0.0096%); highest among the groups gnomAD compares: Middle Eastern, 0.016%; no homozygotes.

Submissions (3):

Labcorp Genetics (formerly Invitae), Labcorp
Classification: Uncertain significance for Loeys-Dietz syndrome 2. Last evaluated: 2025-09-27. Review status: criteria provided, single submitter. Criteria: Invitae Variant Classification Sherloc (09022015). Collection method: clinical testing. Allele origin: germline.
Comment: This sequence change replaces proline, which is neutral and non-polar, with leucine, which is neutral and non-polar, at codon 371 of the TMPO protein (p.Pro371Leu). This variant is present in population databases (rs199943517, gnomAD 0.01%). This variant has not been reported in the literature in individuals affected with TMPO-related conditions. ClinVar contains an entry for this variant (Variation ID: 191791). Invitae Evidence Modeling of protein sequence and biophysical properties (such as structural, functional, and spatial information, amino acid conservation, physicochemical variation, residue mobility, and thermodynamic stability) indicates that this missense variant is not expected to disrupt TMPO protein function with a negative predictive value of 80%. In summary, the available evidence is currently insufficient to determine the role of this variant in disease. Therefore, it has been classified as a Variant of Uncertain Significance.

CeGaT Center for Human Genetics Tuebingen
Classification: Uncertain significance. Last evaluated: 2018-06-01. Review status: criteria provided, single submitter. Criteria: CeGaT Center For Human Genetics Tuebingen Variant Classification Criteria Version 2. Collection method: clinical testing. Allele origin: germline. Affected: yes. Observed: 2 variant alleles.

Biesecker Lab/Clinical Genomics Section, National Institutes of Health
Classification: Uncertain significance. Last evaluated: 2013-06-24. Review status: criteria provided, single submitter. Criteria: Ng et al. (Circ Cardiovasc Genet. 2013). Collection method: research. Allele origin: unknown. Observed: 1 variant allele. Study: ClinSeq.
Comment: The study set was not selected for affection status in relation to any cancer. Pathogenicity categories were based on literature curation. See Pubmed ID:23861362 for details.

Medical sequencing